The following is an entry in ClinVar:

NM_181882.3(PRX):c.2221C>T (p.His741Tyr)

Gene: PRX (periaxin; minus strand). Cytogenetic location: 19q13.2.
Variant type: single nucleotide variant.
Coding change: c.2221C>T on transcript NM_181882.3 (MANE Select); coding-DNA position 2221, C replaced by T.
Protein change: p.His741Tyr; replaces histidine 741 with tyrosine.
Molecular consequence: missense variant. On other transcripts: 3 prime UTR variant (1).
Genome position (GRCh38, 1-based): chr19:40,396,131, G>A on the plus strand (C>T on the coding strand, the complement: PRX is on the minus strand). VCF-style: chr19-40396131-G-A. GRCh37 (hg19) VCF-style: chr19-40902038-G-A.
Other names: c.*2426C>T (NM_020956.2); short protein forms H741Y.
Identifiers: ClinVar variation 659455 (VCV000659455.8), dbSNP rs1599653314, ClinGen allele CA405896736.

ClinVar aggregate classification (germline): Uncertain significance (1 of 4 stars; one submission).

Conditions:
Charcot-Marie-Tooth disease type 4. Also called: Charcot-Marie-Tooth, Type 4; Charcot-Marie-Tooth disease, type IV. Identifiers: Orphanet 64749, MedGen C4082197, MONDO:0018995.

Allele frequency attached by ClinVar (database versions not stated): gnomAD 0.00001.
gnomAD v4.1: 1 of 1,613,744 alleles (0.000062%); no homozygotes.

Submission:

Labcorp Genetics (formerly Invitae), Labcorp
Classification: Uncertain significance for Charcot-Marie-Tooth disease type 4. Last evaluated: 2018-08-29. Review status: criteria provided, single submitter. Criteria: Invitae Variant Classification Sherloc (09022015). Collection method: clinical testing. Allele origin: germline.
Comment: This sequence change replaces histidine with tyrosine at codon 741 of the PRX protein (p.His741Tyr). The histidine residue is moderately conserved and there is a moderate physicochemical difference between histidine and tyrosine. This variant is not present in population databases (ExAC no frequency). This variant has not been reported in the literature in individuals with PRX-related disease. Algorithms developed to predict the effect of missense changes on protein structure and function (SIFT, PolyPhen-2, Align-GVGD) all suggest that this variant is likely to be tolerated, but these predictions have not been confirmed by published functional studies and their clinical significance is uncertain. In summary, the available evidence is currently insufficient to determine the role of this variant in disease. Therefore, it has been classified as a Variant of Uncertain Significance.